The following is an entry in ClinVar:

ClinVar aggregate classification (germline): Benign/Likely benign. Review status: criteria provided, multiple submitters, no conflicts (2 of 4 stars). 3 submissions from 3 submitters: Benign (2); Likely benign (1). Last evaluated 2026-09-01.

Allele frequency attached by ClinVar (database versions not stated): gnomAD exomes 0.00034 and 0.00176; gnomAD 0.00036 and 0.00038; 1000 Genomes Project 0.00040; 1000 Genomes Project 30x 0.00047; TOPMed 0.00079; ExAC 0.00133.
gnomAD v4.1: 547 of 1,614,082 alleles (0.034%); highest among the groups gnomAD compares: Admixed American, 0.89%; 4 homozygotes.

Submissions (3):

CeGaT Center for Human Genetics Tuebingen
Classification: Likely benign. Last evaluated: 2026-09-01. Review status: criteria provided, single submitter. Criteria: CeGaT Center For Human Genetics Tuebingen Variant Classification Criteria Version 2. Collection method: clinical testing. Allele origin: germline. Affected: yes. Observed: 2 variant alleles.
Comment: TUBG1: BP4, BP7

Labcorp Genetics (formerly Invitae), Labcorp
Classification: Benign. Last evaluated: 2026-01-05. Review status: criteria provided, single submitter. Criteria: Invitae Variant Classification Sherloc (09022015). Collection method: clinical testing. Allele origin: germline.

GeneDx
Classification: Benign. Last evaluated: 2019-04-24. Review status: criteria provided, single submitter. Criteria: GeneDx Variant Classification Process June 2021. Collection method: clinical testing. Allele origin: germline. Affected: yes.

NM_001070.5(TUBG1):c.654G>A (p.Leu218=)

Gene: TUBG1 (tubulin gamma 1; plus strand). Cytogenetic location: 17q21.2.
Variant type: single nucleotide variant.
Coding change: c.654G>A on transcript NM_001070.5 (MANE Select); coding-DNA position 654, G replaced by A.
Protein change: p.Leu218=; no amino-acid change (leucine 218 retained).
Molecular consequence: synonymous variant.
Genome position (GRCh38, 1-based): chr17:42,613,694, G>A. VCF-style: chr17-42613694-G-A. GRCh37 (hg19) VCF-style: chr17-40765712-G-A.
Identifiers: ClinVar variation 387421 (VCV000387421.12), dbSNP rs201417660, ClinGen allele CA8579931.